The following is an entry in ClinVar:

ClinVar aggregate classification (germline): Likely benign (0 of 4 stars; one submission).

Conditions:
GPBAR1-related disorder. Also called: GPBAR1-related condition.

Allele frequency attached by ClinVar (database versions not stated): ExAC 0.00001; gnomAD 0.00001; TOPMed 0.00004.

Submission:

PreventionGenetics, part of Exact Sciences
Classification: Likely benign for GPBAR1-related condition. Last evaluated: 2022-03-07. Review status: no assertion criteria provided. Collection method: clinical testing. Allele origin: germline.
Comment: This variant is classified as likely benign based on ACMG/AMP sequence variant interpretation guidelines (Richards et al. 2015 PMID: 25741868, with internal and published modifications).

NM_170699.3(GPBAR1):c.822G>A (p.Ala274=)

Gene: GPBAR1 (G protein-coupled bile acid receptor 1; plus strand). Cytogenetic location: 2q35.
Variant type: single nucleotide variant.
Coding change: c.822G>A on transcript NM_170699.3 (MANE Select); coding-DNA position 822, G replaced by A.
Protein change: p.Ala274=; no amino-acid change (alanine 274 retained).
Molecular consequence: synonymous variant.
Genome position (GRCh38, 1-based): chr2:218,263,546, G>A. VCF-style: chr2-218263546-G-A. GRCh37 (hg19) VCF-style: chr2-219128269-G-A.
Other names: c.822G>A, p.Ala274= (NM_001077191.2, NM_001077194.2, NM_001321950.2).
Identifiers: ClinVar variation 3052024 (VCV003052024.2), dbSNP rs200468807, ClinGen allele CA2102695.
Genomic context (GRCh38, chr2:218,263,546, plus strand): 5'-CCCGCCACTGGGGCCTGGGACACTGTTGTCCCTCCTCTCCCTAGGAAGTGCCAGTGCAGC[G>A]GCAGTGCCCGTAGCCATGGGGCTGGGCGATCAGCGCTACACAGCCCCCTGGAGGGCAGCC-3'
Protein context (NP_733800.1, residues 264-284): SLLSLGSASA[Ala274=]AVPVAMGLGD